The following is an entry in ClinVar:

NM_001145358.2(SIN3A):c.799C>G (p.Pro267Ala)

Gene: SIN3A (SIN3 transcription regulator family member A; minus strand). Cytogenetic location: 15q24.2.
Variant type: single nucleotide variant.
Coding change: c.799C>G on transcript NM_001145358.2 (MANE Select); coding-DNA position 799, C replaced by G.
Protein change: p.Pro267Ala; replaces proline 267 with alanine.
Molecular consequence: missense variant.
Genome position (GRCh38, 1-based): chr15:75,411,701, G>C on the plus strand (C>G on the coding strand, the complement: SIN3A is on the minus strand). VCF-style: chr15-75411701-G-C. GRCh37 (hg19) VCF-style: chr15-75704042-G-C.
Other names: c.799C>G, p.Pro267Ala (NM_015477.3, NM_001145357.2); short protein forms P267A.
Identifiers: ClinVar variation 2736243 (VCV002736243.3), dbSNP rs2542691326, ClinGen allele CA393448189.

ClinVar aggregate classification (germline): Uncertain significance (1 of 4 stars; one submission).

Allele frequency attached by ClinVar (database versions not stated): gnomAD exomes below 0.00001.
gnomAD v4.1: 1 of 1,612,646 alleles (0.000062%); highest among the groups gnomAD compares: Non-Finnish European, 0.000085%; no homozygotes.

Submission:

Labcorp Genetics (formerly Invitae), Labcorp
Classification: Uncertain significance. Last evaluated: 2023-11-08. Review status: criteria provided, single submitter. Criteria: Invitae Variant Classification Sherloc (09022015). Collection method: clinical testing. Allele origin: germline.
Comment: This sequence change replaces proline, which is neutral and non-polar, with alanine, which is neutral and non-polar, at codon 267 of the SIN3A protein (p.Pro267Ala). This variant is not present in population databases (gnomAD no frequency). This missense change has been observed in individual(s) with autism spectrum disorder (PMID: 27824329). Advanced modeling of protein sequence and biophysical properties (such as structural, functional, and spatial information, amino acid conservation, physicochemical variation, residue mobility, and thermodynamic stability) performed at Invitae indicates that this missense variant is not expected to disrupt SIN3A protein function with a negative predictive value of 80%. In summary, the available evidence is currently insufficient to determine the role of this variant in disease. Therefore, it has been classified as a Variant of Uncertain Significance.

Literature cited by the submitters: PubMed 27824329.